The following is an entry in ClinVar:

NM_015100.4(POGZ):c.3863C>T (p.Ala1288Val)

Gene: POGZ (pogo transposable element derived with ZNF domain; minus strand). Cytogenetic location: 1q21.3.
Variant type: single nucleotide variant.
Coding change: c.3863C>T on transcript NM_015100.4 (MANE Select); coding-DNA position 3863, C replaced by T.
Protein change: p.Ala1288Val; replaces alanine 1288 with valine.
Molecular consequence: missense variant.
Genome position (GRCh38, 1-based): chr1:151,405,172, G>A on the plus strand (C>T on the coding strand, the complement: POGZ is on the minus strand). VCF-style: chr1-151405172-G-A. GRCh37 (hg19) VCF-style: chr1-151377648-G-A.
Other names: c.3836C>T, p.Ala1279Val (NM_001194937.2); c.3677C>T, p.Ala1226Val (NM_001194938.2); c.3578C>T, p.Ala1193Val (NM_145796.4); c.3704C>T, p.Ala1235Val (NM_207171.2); short protein forms A1288V, A1226V, A1193V, A1235V, A1279V.
Identifiers: ClinVar variation 587883 (VCV000587883.13), dbSNP rs149655055, ClinGen allele CA1090902.
Genomic context (GRCh38, chr1:151,405,172, plus strand): 5'-ACTTCACCCAGCCAGACAAGCACCAGCTGAAGCAGGACATCAGAATCACATGCAGTATCT[G>A]CCATTTCCCGAGCCTGTTCCTTCCATTTTTTATGCAGGAAGTTCTTGACAGTTCTTTTGA-3'
Protein context (NP_055915.2, residues 1278-1298): KKWKEQAREM[Ala1288Val]DTACDSDVLL

ClinVar aggregate classification (germline): Likely benign. Review status: criteria provided, multiple submitters, no conflicts (2 of 4 stars). 6 submissions from 6 submitters: Likely benign (6). Last evaluated 2026-03-01.

Conditions:
Intellectual disability-microcephaly-strabismus-behavioral abnormalities syndrome. Also called: White-Sutton Syndrome. Identifiers: Orphanet 468678, MedGen C4225351, MONDO:0014606, OMIM 616364.
Inborn genetic diseases. Identifiers: MedGen C0950123, MeSH D030342.

Allele frequency attached by ClinVar (database versions not stated): gnomAD exomes 0.00011 and 0.00016; TOPMed 0.00012; ExAC 0.00013; gnomAD 0.00014 and 0.00016; ESP Exome Variant Server 0.00023.
gnomAD v4.1: 179 of 1,614,032 alleles (0.011%); highest among the groups gnomAD compares: Non-Finnish European, 0.012%; no homozygotes.

Submissions (6):

CeGaT Center for Human Genetics Tuebingen
Classification: Likely benign. Last evaluated: 2026-03-01. Review status: criteria provided, single submitter. Criteria: CeGaT Center For Human Genetics Tuebingen Variant Classification Criteria Version 2. Collection method: clinical testing. Allele origin: germline. Affected: yes. Observed: 1 variant allele.
Comment: POGZ: BS2

Laboratory of Genetics, Children's Clinical University Hospital Latvia
Classification: Likely benign. Last evaluated: 2025-02-16. Review status: criteria provided, single submitter. Criteria: ACMG Guidelines, 2015. Collection method: clinical testing. Allele origin: germline. Affected: yes.

Blueprint Genetics
Classification: Likely benign. Last evaluated: 2024-11-06. Review status: criteria provided, single submitter. Criteria: ACMG Guidelines, 2015. Collection method: clinical testing. Allele origin: germline.

Genome-Nilou Lab
Classification: Likely benign for Intellectual disability-microcephaly-strabismus-behavioral abnormalities syndrome. Last evaluated: 2023-04-11. Review status: criteria provided, single submitter. Criteria: ACMG Guidelines, 2015. Collection method: clinical testing. Allele origin: germline. Affected: no.

GeneDx
Classification: Likely benign. Last evaluated: 2020-07-06. Review status: criteria provided, single submitter. Criteria: GeneDx Variant Classification Process June 2021. Collection method: clinical testing. Allele origin: germline. Affected: yes.

Ambry Genetics
Classification: Likely benign for Inborn genetic diseases. Last evaluated: 2017-12-08. Review status: criteria provided, single submitter. Criteria: Ambry Variant Classification Scheme 2023. Collection method: clinical testing. Allele origin: germline.